The following is an entry in ClinVar:

NM_001375567.1(FOCAD):c.80C>T (p.Ala27Val)

Gene: FOCAD (focadhesin; plus strand). Cytogenetic location: 9p21.3.
Variant type: single nucleotide variant.
Coding change: c.80C>T on transcript NM_001375567.1 (MANE Select); coding-DNA position 80, C replaced by T.
Protein change: p.Ala27Val; replaces alanine 27 with valine.
Molecular consequence: missense variant.
Genome position (GRCh38, 1-based): chr9:20,717,816, C>T. VCF-style: chr9-20717816-C-T. GRCh37 (hg19) VCF-style: chr9-20717815-C-T.
Other names: c.80C>T, p.Ala27Val (NM_001375570.1, NM_017794.5, NM_001375568.1); short protein forms A27V.
Identifiers: ClinVar variation 3632285 (VCV003632285.2).

ClinVar aggregate classification (germline): Uncertain significance (1 of 4 stars; one submission).

gnomAD v4.1: 5 of 1,612,266 alleles (0.00031%); highest among the groups gnomAD compares: Admixed American, 0.0067%; no homozygotes.

Submission:

Labcorp Genetics (formerly Invitae), Labcorp
Classification: Uncertain significance. Last evaluated: 2024-10-08. Review status: criteria provided, single submitter. Criteria: Invitae Variant Classification Sherloc (09022015). Collection method: clinical testing. Allele origin: germline.
Comment: This sequence change replaces alanine, which is neutral and non-polar, with valine, which is neutral and non-polar, at codon 27 of the FOCAD protein (p.Ala27Val). This variant is present in population databases (rs780873832, gnomAD 0.01%). This variant has not been reported in the literature in individuals affected with FOCAD-related conditions. Experimental studies and prediction algorithms are not available or were not evaluated, and the functional significance of this variant is currently unknown. In summary, the available evidence is currently insufficient to determine the role of this variant in disease. Therefore, it has been classified as a Variant of Uncertain Significance.